The following is an entry in ClinVar:

ClinVar aggregate classification (germline): Uncertain significance (1 of 4 stars; one submission).

Conditions:
Creatine transporter deficiency (CCDS1). Also called: Creatine Transporter (CRTR) Deficiency; Mental retardation , X-linked with seizures, short stature and midface hypoplasia; Mental retardation , X-linked, with creatine transport deficiency; X-linked creatine transporter deficiency; X-linked creatine deficiency syndrome; SLC6A8-Related Creatine Transporter Deficiency. Identifiers: Orphanet 52503, MedGen C1845862, MONDO:0010305, OMIM 300352.

Submission:

Labcorp Genetics (formerly Invitae), Labcorp
Classification: Uncertain significance for Creatine transporter deficiency. Last evaluated: 2024-10-08. Review status: criteria provided, single submitter. Criteria: Invitae Variant Classification Sherloc (09022015). Collection method: clinical testing. Allele origin: germline.
Comment: This sequence change replaces leucine, which is neutral and non-polar, with methionine, which is neutral and non-polar, at codon 40 of the SLC6A8 protein (p.Leu40Met). This variant is not present in population databases (gnomAD no frequency). This variant has not been reported in the literature in individuals affected with SLC6A8-related conditions. Invitae Evidence Modeling of protein sequence and biophysical properties (such as structural, functional, and spatial information, amino acid conservation, physicochemical variation, residue mobility, and thermodynamic stability) indicates that this missense variant is not expected to disrupt SLC6A8 protein function with a negative predictive value of 95%. In summary, the available evidence is currently insufficient to determine the role of this variant in disease. Therefore, it has been classified as a Variant of Uncertain Significance.

NM_005629.4(SLC6A8):c.118C>A (p.Leu40Met)

Gene: SLC6A8 (solute carrier family 6 member 8; plus strand). Cytogenetic location: Xq28.
Variant type: single nucleotide variant.
Coding change: c.118C>A on transcript NM_005629.4 (MANE Select); coding-DNA position 118, C replaced by A.
Protein change: p.Leu40Met; replaces leucine 40 with methionine.
Molecular consequence: missense variant.
Genome position (GRCh38, 1-based): chrX:153,688,692, C>A. VCF-style: chrX-153688692-C-A. GRCh37 (hg19) VCF-style: chrX-152954147-C-A.
Other names: c.118C>A, p.Leu40Met (NM_001142805.2); short protein forms L40M.
Identifiers: ClinVar variation 2749829 (VCV002749829.3), dbSNP rs2522145082, ClinGen allele CA415076320.